The following is an entry in ClinVar:

ClinVar aggregate classification (germline): Uncertain significance (1 of 4 stars; one submission).

Submission:

Labcorp Genetics (formerly Invitae), Labcorp
Classification: Uncertain significance. Last evaluated: 2024-04-25. Review status: criteria provided, single submitter. Criteria: Invitae Variant Classification Sherloc (09022015). Collection method: clinical testing. Allele origin: germline.
Comment: This sequence change creates a premature translational stop signal (p.Lys7Serfs*73) in the KCNJ13 gene. It is expected to result in an absent or disrupted protein product. However, the current clinical and genetic evidence is not sufficient to establish whether loss-of-function variants in KCNJ13 cause disease. This variant is not present in population databases (gnomAD no frequency). This variant has not been reported in the literature in individuals affected with KCNJ13-related conditions. In summary, the available evidence is currently insufficient to determine the role of this variant in disease. Therefore, it has been classified as a Variant of Uncertain Significance.

NM_002242.4(KCNJ13):c.20_21del (p.Lys7fs)

Genes: GIGYF2 (GRB10 interacting GYF protein 2; plus strand), KCNJ13 (potassium inwardly rectifying channel subfamily J member 13; minus strand). Cytogenetic location: 2q37.1.
Variant type: Deletion.
Coding change: c.20_21del on transcript NM_002242.4 (MANE Select); coding-DNA positions 20 to 21, 2 bases deleted (AA; older notation c.20_21delAA).
Protein change: p.Lys7fs; shifts the reading frame from lysine 7.
Molecular consequence: frameshift variant. On other transcripts: intron variant (5).
Genome position (GRCh38, 1-based): chr2:232,771,342-232,771,343, TT deleted on the plus strand (AA on the coding strand, the reverse complement: KCNJ13 is on the minus strand); deleting any 2 consecutive bases within chr2:232,771,342-232,771,344 gives the same sequence; the c. name uses the placement nearest the transcript's 3' end. VCF-style (leftmost placement, unchanged base first): chr2-232771341-CTT-C. GRCh37 (hg19) VCF-style: chr2-233636051-CTT-C.
Other names: c.20_21del, p.Lys7fs (NM_001172416.1); c.532+9907_532+9908del (NM_001103146.3, NM_015575.4, NM_001103148.2); c.533-5069_533-5068del (NM_001103147.2); c.-23-198_-23-197del (NM_001172417.1); short protein forms K7fs.
Identifiers: ClinVar variation 2801954 (VCV002801954.3), dbSNP rs2469814433, ClinGen allele CA2739279123.